The following is an entry in ClinVar:

NM_000062.3(SERPING1):c.1029+1del

Gene: SERPING1 (serpin family G member 1; plus strand). Cytogenetic location: 11q12.1.
Variant type: Deletion.
Coding change: c.1029+1del on transcript NM_000062.3 (MANE Select); the canonical splice donor site of the intron after coding-DNA position 1029, one base deleted (G; older notation c.1029+1delG).
Molecular consequence: splice donor variant.
Genome position (GRCh38, 1-based): chr11:57,606,548, G deleted; the last of 2 consecutive G bases (chr11:57,606,547-57,606,548); deleting either gives the same sequence. VCF-style (leftmost placement, unchanged base first): chr11-57606546-AG-A. GRCh37 (hg19) VCF-style: chr11-57374019-AG-A.
Other names: c.1029+1del (NM_001032295.2); c.1029+1delG (NM_000062.3).
Identifiers: ClinVar variation 3242420 (VCV003242420.2), dbSNP rs2495442672.

ClinVar aggregate classification (germline): Pathogenic (1 of 4 stars; one submission).

Conditions:
Hereditary angioedema type 1 (HAE1). Identifiers: Orphanet 100050, Orphanet 100051, Orphanet 91378, MedGen C2717906, MONDO:0015053, OMIM 106100.

Submission:

DNA-diagnostics Laboratory, Research Centre For Medical Genetics
Classification: Pathogenic for Hereditary angioedema type 1. Last evaluated: 2024-06-01. Review status: criteria provided, single submitter. Criteria: ACMG Guidelines, 2015. Collection method: research. Allele origin: germline. Inheritance: Autosomal dominant inheritance. Affected: yes. Observed: 4 variant alleles, 4 heterozygotes.
Comment: The c.1029+1delG variant in SERPING1 meets ACMG/ClinGen SVI guidance criteria to be classified as pathogenic: PVS1, PP4_Str, PM2_Sup